The following is an entry in ClinVar:

NM_001101.5(ACTB):c.136G>C (p.Gly46Arg)

Gene: ACTB (actin beta; minus strand). Cytogenetic location: 7p22.1.
Variant type: single nucleotide variant.
Coding change: c.136G>C on transcript NM_001101.5 (MANE Select); coding-DNA position 136, G replaced by C.
Protein change: p.Gly46Arg; replaces glycine 46 with arginine.
Molecular consequence: missense variant.
Genome position (GRCh38, 1-based): chr7:5,529,388, C>G on the plus strand (G>C on the coding strand, the complement: ACTB is on the minus strand). VCF-style: chr7-5529388-C-G. GRCh37 (hg19) VCF-style: chr7-5569019-C-G.
Other names: short protein forms G46R.
Identifiers: ClinVar variation 2750125 (VCV002750125.3), dbSNP rs2533850535, ClinGen allele CA366706354.

ClinVar aggregate classification (germline): Uncertain significance (1 of 4 stars; one submission).

Conditions:
Baraitser-Winter syndrome 1 (BRWS1). Also called: PACHYGYRIA, MENTAL RETARDATION, EPILEPSY, AND CHARACTERISTIC FACIES; BARAITSER-WINTER SYNDROME 1, ATYPICAL; Cerebrofrontofacial syndrome; MENTAL RETARDATION WITH EPILEPSY AND CHARACTERISTIC FACIES. Identifiers: Orphanet 2649, Orphanet 2995, MedGen C1855722, MONDO:0009470, OMIM 243310.

Submission:

Labcorp Genetics (formerly Invitae), Labcorp
Classification: Uncertain significance for Baraitser-Winter syndrome 1. Last evaluated: 2023-12-11. Review status: criteria provided, single submitter. Criteria: Invitae Variant Classification Sherloc (09022015). Collection method: clinical testing. Allele origin: germline.
Comment: This sequence change replaces glycine, which is neutral and non-polar, with arginine, which is basic and polar, at codon 46 of the ACTB protein (p.Gly46Arg). This variant is not present in population databases (gnomAD no frequency). This variant has not been reported in the literature in individuals affected with ACTB-related conditions. Advanced modeling of protein sequence and biophysical properties (such as structural, functional, and spatial information, amino acid conservation, physicochemical variation, residue mobility, and thermodynamic stability) performed at Invitae indicates that this missense variant is not expected to disrupt ACTB protein function with a negative predictive value of 80%. In summary, the available evidence is currently insufficient to determine the role of this variant in disease. Therefore, it has been classified as a Variant of Uncertain Significance.